The following is an entry in ClinVar:

ClinVar aggregate classification (germline): Uncertain significance. Review status: criteria provided, multiple submitters, no conflicts (2 of 4 stars). 2 submissions from 2 submitters: Uncertain significance (2). Last evaluated 2026-02-25.

Conditions:
3-methylglutaconic aciduria type 5. Also called: CARDIOMYOPATHY, DILATED, WITH ATAXIA; 3 alpha methylglutaconic aciduria type V; MGA 5; MGA, TYPE V. Identifiers: Orphanet 66634, MedGen C1857776, MONDO:0012435, OMIM 610198.

Submissions (2):

GeneDx
Classification: Uncertain significance. Last evaluated: 2026-02-25. Review status: criteria provided, single submitter. Criteria: GeneDx Variant Classification Process June 2021. Collection method: clinical testing. Allele origin: germline.
Comment: Not observed at significant frequency in large population cohorts (gnomAD); Has not been previously published as pathogenic or benign to our knowledge; In silico analysis is inconclusive as to whether the variant alters gene splicing. In the absence of RNA/functional studies, the actual effect of this sequence change is unknown.

Labcorp Genetics (formerly Invitae), Labcorp
Classification: Uncertain significance for 3-methylglutaconic aciduria type 5. Last evaluated: 2022-07-15. Review status: criteria provided, single submitter. Criteria: Invitae Variant Classification Sherloc (09022015). Collection method: clinical testing. Allele origin: germline.
Comment: This sequence change falls in intron 4 of the DNAJC19 gene. It does not directly change the encoded amino acid sequence of the DNAJC19 protein. This variant is present in population databases (no rsID available, gnomAD 0.0009%). This variant has not been reported in the literature in individuals affected with DNAJC19-related conditions. Algorithms developed to predict the effect of sequence changes on RNA splicing suggest that this variant may create or strengthen a splice site. In summary, the available evidence is currently insufficient to determine the role of this variant in disease. Therefore, it has been classified as a Variant of Uncertain Significance.

NM_145261.4(DNAJC19):c.210-14_210-11del

Gene: DNAJC19 (DnaJ heat shock protein family (Hsp40) member C19; minus strand). Cytogenetic location: 3q26.33.
Variant type: Deletion.
Coding change: c.210-14_210-11del on transcript NM_145261.4 (MANE Select); 14 bases into the intron before coding-DNA position 210 through 11 bases into the intron before coding-DNA position 210, 4 bases deleted (CTTT; older notation c.210-14_210-11delCTTT).
Molecular consequence: intron variant.
Genome position (GRCh38, 1-based): chr3:180,986,007-180,986,010, AAAG deleted on the plus strand (CTTT on the coding strand, the reverse complement: DNAJC19 is on the minus strand); deleting any 4 consecutive bases within chr3:180,986,007-180,986,013 gives the same sequence; the c. name uses the placement nearest the transcript's 3' end. VCF-style (leftmost placement, unchanged base first): chr3-180986006-AAAAG-A. GRCh37 (hg19) VCF-style: chr3-180703794-AAAAG-A.
Other names: c.135-14_135-11del (NM_001190233.2).
Identifiers: ClinVar variation 2084488 (VCV002084488.5), dbSNP rs1206803404, ClinGen allele CA548508690.